The following is an entry in ClinVar:

ClinVar aggregate classification (germline): Uncertain significance (1 of 4 stars; one submission).

Conditions:
Feingold syndrome type 1 (FGLDS1). Also called: MICROCEPHALY, MENTAL RETARDATION, AND TRACHEOESOPHAGEAL FISTULA SYNDROME; MICROCEPHALY-OCULO-DIGITO-ESOPHAGEAL-DUODENAL SYNDROME; OCULODIGITOESOPHAGODUODENAL SYNDROME; ODED SYNDROME; MICROCEPHALY AND DIGITAL ABNORMALITIES WITH NORMAL INTELLIGENCE. Identifiers: Orphanet 1305, Orphanet 391641, MedGen C4551774, MONDO:0008115, OMIM 164280.

Submission:

MGZ Medical Genetics Center
Classification: Uncertain significance for Feingold syndrome type 1. Last evaluated: 2022-04-29. Review status: criteria provided, single submitter. Criteria: ACMG Guidelines, 2015. Collection method: clinical testing. Allele origin: germline. Affected: yes. Observed: 1 variant allele.
Comment: ACMG criteria applied: PS2_MOD, PM2_SUP

NM_005378.6(MYCN):c.215C>T (p.Ser72Phe)

Genes: MYCN (MYCN proto-oncogene, bHLH transcription factor; plus strand), MYCNOS (MYCN opposite strand; minus strand). Cytogenetic location: 2p24.3.
Variant type: single nucleotide variant.
Coding change: c.215C>T on transcript NM_005378.6 (MANE Select); coding-DNA position 215, C replaced by T.
Protein change: p.Ser72Phe; replaces serine 72 with phenylalanine.
Molecular consequence: missense variant. On other transcripts: non-coding transcript variant (1), 3 prime UTR variant (1), intron variant (1).
Genome position (GRCh38, 1-based): chr2:15,942,279, C>T. VCF-style: chr2-15942279-C-T. GRCh37 (hg19) VCF-style: chr2-16082401-C-T.
Other names: c.215C>T, p.Ser72Phe (NM_001293228.2); c.*150C>T (NM_001293233.2); c.157+1536C>T (NM_001293231.2); short protein forms S72F.
Identifiers: ClinVar variation 1709468 (VCV001709468.1), dbSNP rs1662708273, ClinGen allele CA345930409.
Genomic context (GRCh38, chr2:15,942,279, plus strand): 5'-AGTTTGAGCTGCTGCCCACGCCCCCGCTGTCGCCCAGCCGTGGCTTCGCGGAGCACAGCT[C>T]CGAGCCCCCGAGCTGGGTCACGGAGATGCTGCTTGAGAACGAGCTGTGGGGCAGCCCGGC-3'
Protein context (NP_005369.2, residues 62-82): SPSRGFAEHS[Ser72Phe]EPPSWVTEML